The following is an entry in ClinVar:

NM_000124.4(ERCC6):c.1835G>A (p.Arg612Gln)

Gene: ERCC6 (ERCC excision repair 6, chromatin remodeling factor; minus strand). Cytogenetic location: 10q11.23.
Variant type: single nucleotide variant.
Coding change: c.1835G>A on transcript NM_000124.4 (MANE Select); coding-DNA position 1835, G replaced by A.
Protein change: p.Arg612Gln; replaces arginine 612 with glutamine.
Molecular consequence: missense variant.
Genome position (GRCh38, 1-based): chr10:49,483,503, C>T on the plus strand (G>A on the coding strand, the complement: ERCC6 is on the minus strand). VCF-style: chr10-49483503-C-T. GRCh37 (hg19) VCF-style: chr10-50691549-C-T.
Other names: c.1835G>A, p.Arg612Gln (NM_001346440.2); short protein forms R612Q.
Identifiers: ClinVar variation 190154 (VCV000190154.4), dbSNP rs201894064, ClinGen allele CA199582.

ClinVar aggregate classification (germline): Uncertain significance. Review status: criteria provided, multiple submitters, no conflicts (2 of 4 stars). 3 submissions from 3 submitters: Uncertain significance (2). 1 of the submissions does not count toward it. Last evaluated 2022-09-01.

Conditions:
DE SANCTIS-CACCHIONE SYNDROME. Identifiers: MedGen C0265201, MONDO:0010217, OMIM 278800.
Cerebrooculofacioskeletal syndrome 1 (COFS1). Also called: Cerebro-oculo-facio-skeletal syndrome 1. Identifiers: MedGen C0220722, MONDO:0008955, OMIM 214150.
Cockayne syndrome type 2 (CSB). Also called: COCKAYNE SYNDROME B; Cockayne Syndrome, Type II. Identifiers: Orphanet 191, Orphanet 90322, MedGen C0751038, MONDO:0019570, OMIM 133540.

Allele frequency attached by ClinVar (database versions not stated): gnomAD 0.00006 and 0.00007; gnomAD exomes 0.00006; TOPMed 0.00006; ExAC 0.00007; ESP Exome Variant Server 0.00015; 1000 Genomes Project 30x 0.00016; 1000 Genomes Project 0.00020.
gnomAD v4.1: 89 of 1,613,978 alleles (0.0055%); highest among the groups gnomAD compares: South Asian, 0.03%; no homozygotes.

Submissions (3):

Labcorp Genetics (formerly Invitae), Labcorp
Classification: Uncertain significance. Last evaluated: 2022-09-01. Review status: criteria provided, single submitter. Criteria: Invitae Variant Classification Sherloc (09022015). Collection method: clinical testing. Allele origin: germline.
Comment: This sequence change replaces arginine, which is basic and polar, with glutamine, which is neutral and polar, at codon 612 of the ERCC6 protein (p.Arg612Gln). This variant is present in population databases (rs201894064, gnomAD 0.04%). This variant has not been reported in the literature in individuals affected with ERCC6-related conditions. ClinVar contains an entry for this variant (Variation ID: 190154). Algorithms developed to predict the effect of missense changes on protein structure and function output the following: SIFT: "Deleterious"; PolyPhen-2: "Benign"; Align-GVGD: "Class C35". The glutamine amino acid residue is found in multiple mammalian species, which suggests that this missense change does not adversely affect protein function. In summary, the available evidence is currently insufficient to determine the role of this variant in disease. Therefore, it has been classified as a Variant of Uncertain Significance.

Claritas Genomics
Classification: Uncertain significance. Last evaluated: 2013-10-22. Review status: criteria provided, single submitter. Criteria: ACMG Guidelines, 2007. Collection method: clinical testing. Allele origin: germline. Inheritance: Autosomal recessive inheritance.

Counsyl
Classification: Uncertain significance for Cockayne syndrome type 2; Cerebrooculofacioskeletal syndrome 1; DE SANCTIS-CACCHIONE SYNDROME. Last evaluated: 2017-08-24. Review status: no assertion criteria provided. Collection method: clinical testing. Allele origin: unknown. Not counted in ClinVar's aggregate classification.